The following is an entry in ClinVar:

ClinVar aggregate classification (germline): Uncertain significance (1 of 4 stars; one submission).

Conditions:
Hereditary cancer-predisposing syndrome. Also called: Neoplastic Syndromes, Hereditary; Tumor predisposition; Hereditary neoplastic syndrome; Hereditary Cancer Syndrome. Identifiers: Orphanet 140162, MedGen C0027672, MeSH D009386, MONDO:0015356.
Cardiovascular phenotype. Identifiers: MedGen CN230736.

Submission:

Ambry Genetics
Classification: Uncertain significance for Cardiovascular phenotype; Hereditary cancer-predisposing syndrome. Last evaluated: 2024-02-02. Review status: criteria provided, single submitter. Criteria: Ambry Variant Classification Scheme 2023. Collection method: clinical testing. Allele origin: germline.
Comment: The p.Q1315R variant (also known as c.3944A>G), located in coding exon 29 of the NF1 gene, results from an A to G substitution at nucleotide position 3944. The glutamine at codon 1315 is replaced by arginine, an amino acid with highly similar properties. This amino acid position is conserved. In addition, this alteration is predicted to be deleterious by in silico analysis. Based on the available evidence, the clinical significance of this alteration remains unclear.

NM_001042492.3(NF1):c.3944A>G (p.Gln1315Arg)

Gene: NF1 (neurofibromin 1; plus strand). Cytogenetic location: 17q11.2.
Variant type: single nucleotide variant.
Coding change: c.3944A>G on transcript NM_001042492.3 (MANE Select); coding-DNA position 3944, A replaced by G.
Protein change: p.Gln1315Arg; replaces glutamine 1315 with arginine.
Molecular consequence: missense variant.
Genome position (GRCh38, 1-based): chr17:31,235,991, A>G. VCF-style: chr17-31235991-A-G. GRCh37 (hg19) VCF-style: chr17-29563009-A-G.
Other names: c.3944A>G, p.Gln1315Arg (NM_000267.4); short protein forms Q1315R.
Identifiers: ClinVar variation 3237759 (VCV003237759.1), dbSNP rs2151438651.
Genomic context (GRCh38, chr17:31,235,991, plus strand): 5'-CCTATCTACAAAAACTCCTGGATCCTTTATTACGAATTGTGATCACATCCTCTGATTGGC[A>G]ACATGTTAGCTTTGAAGTGGATCCTACCAGGTTTGTCATCTTTTCACATAGAACCGCTGT-3'
Protein context (NP_001035957.1, residues 1305-1325): LRIVITSSDW[Gln1315Arg]HVSFEVDPTR